The following is an entry in ClinVar:

ClinVar aggregate classification (germline): Uncertain significance. Review status: criteria provided, multiple submitters, no conflicts (2 of 4 stars). 2 submissions from 2 submitters: Uncertain significance (2). Last evaluated 2025-11-27.

Conditions:
MARS1-related disorder. Also called: MARS1-related condition.
Severe early-onset pulmonary alveolar proteinosis due to MARS deficiency. Also called: Interstitial lung and liver disease; PULMONARY ALVEOLAR PROTEINOSIS, REUNION ISLAND. Identifiers: Orphanet 440427, MedGen C4225400, MONDO:0014206, OMIM 615486.
Charcot-Marie-Tooth disease axonal type 2U. Also called: CHARCOT-MARIE-TOOTH NEUROPATHY, TYPE 2U; CHARCOT-MARIE-TOOTH DISEASE, AXONAL, AUTOSOMAL DOMINANT, TYPE 2U. Identifiers: Orphanet 397735, MedGen C4084821, MONDO:0014566, OMIM 616280.

Submissions (2):

Labcorp Genetics (formerly Invitae), Labcorp
Classification: Uncertain significance for Charcot-Marie-Tooth disease axonal type 2U; Severe early-onset pulmonary alveolar proteinosis due to MARS deficiency. Last evaluated: 2025-11-27. Review status: criteria provided, single submitter. Criteria: Invitae Variant Classification Sherloc (09022015). Collection method: clinical testing. Allele origin: germline.
Comment: This sequence change creates a premature translational stop signal (p.Leu622Serfs*7) in the MARS gene. It is expected to result in an absent or disrupted protein product. However, the current clinical and genetic evidence is not sufficient to establish whether loss-of-function variants in MARS cause disease. This variant is not present in population databases (gnomAD no frequency). This variant has not been reported in the literature in individuals affected with MARS-related conditions. ClinVar contains an entry for this variant (Variation ID: 2183637). In summary, the available evidence is currently insufficient to determine the role of this variant in disease. Therefore, it has been classified as a Variant of Uncertain Significance.

PreventionGenetics, part of Exact Sciences
Classification: Uncertain significance for MARS1-related condition. Last evaluated: 2022-10-17. Review status: criteria provided, single submitter. Criteria: ACMG Guidelines, 2015. Collection method: clinical testing. Allele origin: germline.
Comment: The MARS1 c.1859_1862dupATCT variant is predicted to result in a frameshift and premature protein termination (p.Leu622Serfs*7). To our knowledge, this variant has not been reported in the literature or in a large population database, indicating this variant is rare. Although we suspect that this variant may be pathogenic, at this time, the clinical significance of this variant is uncertain due to the absence of conclusive functional and genetic evidence.

NM_004990.4(MARS1):c.1859_1862dup (p.Leu622fs)

Gene: MARS1 (methionyl-tRNA synthetase 1; plus strand). Cytogenetic location: 12q13.3.
Variant type: Duplication.
Coding change: c.1859_1862dup on transcript NM_004990.4 (MANE Select); coding-DNA positions 1859 to 1862, 4 bases duplicated (ATCT; older notation c.1859_1862dupATCT).
Protein change: p.Leu622fs; shifts the reading frame from leucine 622.
Molecular consequence: frameshift variant.
Genome position (GRCh38, 1-based): chr12:57,512,856-57,512,859, ATCT duplicated; duplicating any 4 consecutive bases within chr12:57,512,853-57,512,859 gives the same sequence; the c. name uses the placement nearest the transcript's 3' end. VCF-style (leftmost placement, unchanged base first): chr12-57512852-T-TTCTA. GRCh37 (hg19) VCF-style: chr12-57906635-T-TTCTA.
Other names: c.1859_1862dupATCT (NM_004990.3); short protein forms L622fs.
Identifiers: ClinVar variation 2183637 (VCV002183637.5), dbSNP rs1877591168, ClinGen allele CA948099177.